The following is an entry in ClinVar:

NM_003002.4(SDHD):c.380G>A (p.Gly127Glu)

Gene: SDHD (succinate dehydrogenase complex subunit D; plus strand). Cytogenetic location: 11q23.1.
Variant type: single nucleotide variant.
Coding change: c.380G>A on transcript NM_003002.4 (MANE Select); coding-DNA position 380, G replaced by A.
Protein change: p.Gly127Glu; replaces glycine 127 with glutamic acid.
Molecular consequence: missense variant. On other transcripts: 3 prime UTR variant (1), non-coding transcript variant (1).
Genome position (GRCh38, 1-based): chr11:112,094,870, G>A. VCF-style: chr11-112094870-G-A. GRCh37 (hg19) VCF-style: chr11-111965594-G-A.
Other names: c.235G>A, p.Gly79Ser (NM_001276503.2); c.263G>A, p.Gly88Glu (NM_001276504.2); c.*78G>A (NM_001276506.2); short protein forms G79S, G88E, G127E.
Identifiers: ClinVar variation 2950511 (VCV002950511.3), dbSNP rs2498917466, ClinGen allele CA382619094.
Genomic context (GRCh38, chr11:112,094,870, plus strand): 5'-TTGGACAAGTTGTTACTGACTATGTTCATGGGGATGCCTTGCAGAAAGCTGCCAAGGCAG[G>A]GCTTTTGGCACTTTCAGCTTTAACCTTTGCTGGGCTTTGCTATTTCAACTATCACGATGT-3'
Protein context (NP_002993.1, residues 117-137): GDALQKAAKA[Gly127Glu]LLALSALTFA

ClinVar aggregate classification (germline): Uncertain significance (1 of 4 stars; one submission).

Conditions:
Cowden syndrome 3 (CWS3). Identifiers: Orphanet 201, MedGen CN166604, MONDO:0014045.
Pheochromocytoma. Also called: MAX-Related Hereditary Paraganglioma-Pheochromocytoma Syndrome. Identifiers: Orphanet 29072, MedGen C0031511, MONDO:0008233, OMIM 171300, HP:0002666.
Paragangliomas with sensorineural hearing loss. Identifiers: MedGen C1868633.
Carney-Stratakis syndrome. Also called: PARAGANGLIOMA AND GASTROINTESTINAL STROMAL TUMOR. Identifiers: Orphanet 97286, MedGen C1847319, MONDO:0011740, OMIM 606864.

Submission:

Labcorp Genetics (formerly Invitae), Labcorp
Classification: Uncertain significance for Carney-Stratakis syndrome; Paragangliomas with sensorineural hearing loss; Pheochromocytoma; Cowden syndrome 3. Last evaluated: 2023-07-31. Review status: criteria provided, single submitter. Criteria: Invitae Variant Classification Sherloc (09022015). Collection method: clinical testing. Allele origin: germline.
Comment: In summary, the available evidence is currently insufficient to determine the role of this variant in disease. Therefore, it has been classified as a Variant of Uncertain Significance. Advanced modeling of protein sequence and biophysical properties (such as structural, functional, and spatial information, amino acid conservation, physicochemical variation, residue mobility, and thermodynamic stability) has been performed at Invitae for this missense variant, however the output from this modeling did not meet the statistical confidence thresholds required to predict the impact of this variant on SDHD protein function. This variant has not been reported in the literature in individuals affected with SDHD-related conditions. This variant is not present in population databases (gnomAD no frequency). This sequence change replaces glycine, which is neutral and non-polar, with glutamic acid, which is acidic and polar, at codon 127 of the SDHD protein (p.Gly127Glu).